The following is an entry in ClinVar:

NM_000548.5(TSC2):c.4606C>T (p.Gln1536Ter)

Gene: TSC2 (TSC complex subunit 2; plus strand). Cytogenetic location: 16p13.3.
Variant type: single nucleotide variant.
Coding change: c.4606C>T on transcript NM_000548.5 (MANE Select); coding-DNA position 4606, C replaced by T.
Protein change: p.Gln1536Ter; replaces glutamine 1536 with a stop codon.
Molecular consequence: nonsense.
Genome position (GRCh38, 1-based): chr16:2,085,266, C>T. VCF-style: chr16-2085266-C-T. GRCh37 (hg19) VCF-style: chr16-2135267-C-T.
Other names: c.4405C>T, p.Gln1469Ter (NM_001077183.3); c.4537C>T, p.Gln1513Ter (NM_001114382.3); c.4297C>T, p.Gln1433Ter (NM_001318827.2); c.4261C>T, p.Gln1421Ter (NM_001318829.2); c.3874C>T, p.Gln1292Ter (NM_001318831.2); c.4438C>T, p.Gln1480Ter (NM_001318832.2); c.4408C>T, p.Gln1470Ter (NM_001363528.2); c.4474C>T, p.Gln1492Ter (NM_001370404.1); and 1 more; short protein forms Q1536*, Q1421*, Q1469*, Q1470*, Q1480*, Q1513*, Q1433*, Q1292*.
Identifiers: ClinVar variation 49475 (VCV000049475.4), dbSNP rs45495796, ClinGen allele CA020763.

ClinVar aggregate classification (germline): Pathogenic. Review status: criteria provided, single submitter (1 of 4 stars). 2 submissions from 2 submitters: Pathogenic (1). 1 of the submissions does not count toward it. Last evaluated 2025-05-18.

Conditions:
Tuberous sclerosis 2 (TSC2). Identifiers: Orphanet 805, MedGen C1860707, MONDO:0013199, OMIM 613254.
Tuberous sclerosis syndrome (TSC). Also called: Tuberous Sclerosis Complex; Tuberous sclerosis. Identifiers: Orphanet 805, MedGen C0041341, MONDO:0001734.

Submissions (2):

Labcorp Genetics (formerly Invitae), Labcorp
Classification: Pathogenic for Tuberous sclerosis 2. Last evaluated: 2025-05-18. Review status: criteria provided, single submitter. Criteria: Invitae Variant Classification Sherloc (09022015). Collection method: clinical testing. Allele origin: germline.
Comment: This sequence change creates a premature translational stop signal (p.Gln1536*) in the TSC2 gene. It is expected to result in an absent or disrupted protein product. Loss-of-function variants in TSC2 are known to be pathogenic (PMID: 10205261, 17304050). This variant is not present in population databases (gnomAD no frequency). This premature translational stop signal has been observed in individual(s) with tuberous sclerosis complex (PMID: 11112665, 29500070; internal data). ClinVar contains an entry for this variant (Variation ID: 49475). Algorithms developed to predict the effect of sequence changes on RNA splicing suggest that this variant may disrupt the consensus splice site. For these reasons, this variant has been classified as Pathogenic.

Tuberous sclerosis database (TSC2)
No classification provided. Condition: TSC. Review status: no classification provided. Criteria: Tuberous Sclerosis Database Assertion Criteria 2015. Collection method: curation. Allele origin: germline. Affected: yes. Not counted in ClinVar's aggregate classification.

Literature cited by the submitters: PubMed 10205261 (cited by Labcorp Genetics (formerly Invitae), Labcorp); PubMed 17304050 (cited by Labcorp Genetics (formerly Invitae), Labcorp); PubMed 11112665 (cited by Labcorp Genetics (formerly Invitae), Labcorp); PubMed 29500070 (cited by Labcorp Genetics (formerly Invitae), Labcorp).